The following is an entry in ClinVar:

NM_000540.3(RYR1):c.6274+1G>A

Gene: RYR1 (ryanodine receptor 1; plus strand). Cytogenetic location: 19q13.2.
Variant type: single nucleotide variant.
Coding change: c.6274+1G>A on transcript NM_000540.3 (MANE Select); the canonical splice donor site of the intron after coding-DNA position 6274, G replaced by A.
Molecular consequence: splice donor variant.
Genome position (GRCh38, 1-based): chr19:38,492,637, G>A. VCF-style: chr19-38492637-G-A. GRCh37 (hg19) VCF-style: chr19-38983277-G-A.
Other names: c.6274+1G>A (NM_001042723.2).
Identifiers: ClinVar variation 478250 (VCV000478250.26), dbSNP rs1226228092, ClinGen allele CA405662693.

ClinVar aggregate classification (germline): Pathogenic/Likely pathogenic. Review status: criteria provided, multiple submitters, no conflicts (2 of 4 stars). 8 submissions from 8 submitters: Pathogenic (4); Likely pathogenic (3). 1 of the submissions does not count toward it. Last evaluated 2026-01-21.

Conditions:
King Denborough syndrome (KDS). Identifiers: MedGen C1840365, MONDO:0020485, OMIM 619542.
Central core myopathy (CMYO1A). Also called: Central core disease; Myopathy, central fibrillar; CONGENITAL MYOPATHY 1A, AUTOSOMAL DOMINANT, WITH SUSCEPTIBILITY TO MALIGNANT HYPERTHERMIA. Identifiers: Orphanet 597, MedGen C5830701, MONDO:0007294, OMIM 117000.
Malignant hyperthermia, susceptibility to, 1 (MHS1). Also called: Anesthesia related hyperthermia; Malignant hyperpyrexia; Fulminating hyperpyrexia; Pharmacogenic myopathy; Malignant hyperthermia suceptibility 1; RYR1-Related Malignant Hyperthermia Susceptibility. Identifiers: Orphanet 423, MedGen C2930980, MONDO:0007783, OMIM 145600.
Congenital multicore myopathy with external ophthalmoplegia (CMYO1B). Also called: Minicore myopathy with external ophthalmoplegia; MULTICORE MYOPATHY; Congenital myopathy 1B, autosomal recessive; Minicore myopathy; MULTIMINICORE DISEASE WITH EXTERNAL OPHTHALMOPLEGIA. Identifiers: Orphanet 598, Orphanet 98905, MedGen C1850674, MONDO:0009712, OMIM 255320, HP:0003789.
RYR1-related disorder. Also called: RYR1-related condition; RYR1-related disorders. Identifiers: MedGen CN239331.
Multiminicore myopathy. Identifiers: Orphanet 598, MedGen C0270962, MONDO:0018948.

Allele frequency attached by ClinVar (database versions not stated): gnomAD exomes 0.00002 and 0.00003; TOPMed 0.00002; gnomAD 0.00004.
gnomAD v4.1: 51 of 1,593,032 alleles (0.0032%); highest among the groups gnomAD compares: Non-Finnish European, 0.0039%; no homozygotes.

Submissions (8):

Labcorp Genetics (formerly Invitae), Labcorp
Classification: Likely pathogenic for RYR1-related disorder. Last evaluated: 2026-01-21. Review status: criteria provided, single submitter. Criteria: Invitae Variant Classification Sherloc (09022015). Collection method: clinical testing. Allele origin: germline.
Comment: This sequence change affects a donor splice site in intron 38 of the RYR1 gene. RNA analysis indicates that disruption of this splice site induces altered splicing and may result in an absent or altered protein product. This variant is present in population databases (no rsID available, gnomAD 0.004%). Disruption of this splice site has been observed in individual(s) with clinical features of autosomal recessive RYR1-related conditions (PMID: 34528764). ClinVar contains an entry for this variant (Variation ID: 478250). Studies have shown that disruption of this splice site results in activation of a cryptic splice site, and produces a non-functional protein and/or introduces a premature termination codon (PMID: 34528764). In summary, the currently available evidence indicates that the variant is pathogenic, but additional data are needed to prove that conclusively. Therefore, this variant has been classified as Likely Pathogenic.

GeneDx
Classification: Pathogenic. Last evaluated: 2026-01-14. Review status: criteria provided, single submitter. Criteria: GeneDx Variant Classification Process June 2021. Collection method: clinical testing. Allele origin: germline. Affected: yes.
Comment: Canonical splice site variant predicted to result in a null allele in a gene for which loss-of-function is a known mechanism of disease (PMID: 34528764); Not observed at significant frequency in large population cohorts (gnomAD); This variant is associated with the following publications: (PMID: 34528764)

Fulgent Genetics
Classification: Likely pathogenic for Central core myopathy; Malignant hyperthermia, susceptibility to, 1; Congenital multicore myopathy with external ophthalmoplegia; King Denborough syndrome. Last evaluated: 2024-04-16. Review status: criteria provided, single submitter. Criteria: ACMG Guidelines, 2015. Collection method: clinical testing. Allele origin: germline.

Revvity Omics, Revvity
Classification: Pathogenic. Last evaluated: 2019-07-23. Review status: criteria provided, single submitter. Criteria: ACMG Guidelines, 2015. Collection method: clinical testing. Allele origin: germline.

Rady Children's Institute for Genomic Medicine, Rady Children's Hospital San Diego
Classification: Likely pathogenic for Multiminicore Myopathy. Last evaluated: 2018-08-28. Review status: criteria provided, single submitter. Criteria: ACMG Guidelines, 2015. Collection method: clinical testing. Allele origin: germline. Affected: yes. Observed: 1 variant allele.
Comment: This variant affects the canonical splice donor site of intron 38 and is therefore predicted to interfere with splicing and result in loss of normal protein function. This variant has not been reported in the medical literature to our knowledge. It is present in the heterozygous state in the gnomAD population database at a frequency of 0.002% (5/265694) and thus is presumed to be rare. Based on the available evidence, the c.6274+1G>A variant is classified as likely pathogenic.

Eurofins Ntd Llc (ga)
Classification: Pathogenic. Last evaluated: 2017-10-06. Review status: criteria provided, single submitter. Criteria: EGL Classification Definitions 2015. Collection method: clinical testing. Allele origin: germline. Observed: 1 variant allele, 1 heterozygote.

PreventionGenetics, part of Exact Sciences
Classification: Pathogenic. Last evaluated: 2016-08-19. Review status: criteria provided, single submitter. Criteria: ACMG Guidelines, 2015. Collection method: clinical testing. Allele origin: germline.

All of Us Research Program, National Institutes of Health
Classification: Uncertain significance for Malignant hyperthermia, susceptibility to, 1. Last evaluated: 2024-08-06. Review status: flagged submission. Criteria: ACMG Guidelines, 2015. Collection method: clinical testing. Allele origin: germline. Inheritance: Autosomal dominant inheritance. Observed: 7 variant alleles, 7 heterozygotes. Not counted in ClinVar's aggregate classification.
Comment: This variant causes a G to A nucleotide substitution at the +1 position of intron 38 of the RYR1 gene. A RNA study on patient-derived RNA showed this variant alters splicing and is predicted to result in an absent or disrupted protein product. Loss of RYR1 function due to haploinsufficiency is not an established disease mechanism for autosomal dominant malignant hyperthermia, although it is associated with other phenotype(s) (ClinVar Variation ID: 478250, PMID: 34528764). This variant has been identified in 6/270336 chromosomes in the general population by the Genome Aggregation Database (gnomAD). Due to insufficient evidence, this variant is classified as a Variant of Uncertain Significance for autosomal dominant malignant hyperthermia.

This study involves interpretation of variants in research participants for the purpose of population health screening. Participant phenotype was not available at the time of variant classification. Additional details can be found in publication PMID: 35346344, PMCID: PMC8962531
ClinVar note: Reason: Outlier claim with insufficient supporting evidence

Literature cited by the submitters: PubMed 34528764 (cited by Labcorp Genetics (formerly Invitae), Labcorp and All of Us Research Program, National Institutes of Health).